The following is an entry in ClinVar:

ClinVar aggregate classification (germline): Uncertain significance. Review status: criteria provided, multiple submitters, no conflicts (2 of 4 stars). 2 submissions from 2 submitters: Uncertain significance (2). Last evaluated 2022-08-08.

Conditions:
Hereditary cancer-predisposing syndrome. Also called: Hereditary neoplastic syndrome; Neoplastic Syndromes, Hereditary; Tumor predisposition; Hereditary Cancer Syndrome. Identifiers: Orphanet 140162, MedGen C0027672, MeSH D009386, MONDO:0015356.
Fanconi anemia complementation group J. Also called: BRIP1-Related Fanconi Anemia. Identifiers: Orphanet 84, MedGen C1836860, MONDO:0012187, OMIM 609054.
Familial cancer of breast. Also called: BREAST CANCER, FAMILIAL; Hereditary breast cancer; hereditary breast carcinoma. Identifiers: Orphanet 227535, MedGen C0346153, MONDO:0016419, OMIM 114480. Disease mechanism: loss of function.

Submissions (2):

Labcorp Genetics (formerly Invitae), Labcorp
Classification: Uncertain significance for Familial cancer of breast; Fanconi anemia complementation group J. Last evaluated: 2022-08-08. Review status: criteria provided, single submitter. Criteria: Invitae Variant Classification Sherloc (09022015). Collection method: clinical testing. Allele origin: germline.
Comment: In summary, the available evidence is currently insufficient to determine the role of this variant in disease. Therefore, it has been classified as a Variant of Uncertain Significance. Algorithms developed to predict the effect of missense changes on protein structure and function are either unavailable or do not agree on the potential impact of this missense change (SIFT: "Deleterious"; PolyPhen-2: "Probably Damaging"; Align-GVGD: "Class C0"). ClinVar contains an entry for this variant (Variation ID: 481645). This variant has not been reported in the literature in individuals affected with BRIP1-related conditions. This variant is not present in population databases (gnomAD no frequency). This sequence change replaces arginine, which is basic and polar, with proline, which is neutral and non-polar, at codon 162 of the BRIP1 protein (p.Arg162Pro).

Ambry Genetics
Classification: Uncertain significance for Hereditary cancer-predisposing syndrome. Last evaluated: 2016-05-19. Review status: criteria provided, single submitter. Criteria: Ambry Variant Classification Scheme 2023. Collection method: clinical testing. Allele origin: germline.
Comment: The p.R162P variant (also known as c.485G>C), located in coding exon 4 of the BRIP1 gene, results from a G to C substitution at nucleotide position 485. The arginine at codon 162 is replaced by proline, an amino acid with dissimilar properties. This variant was not reported in population based cohorts in the following databases: Database of Single Nucleotide Polymorphisms (dbSNP), NHLBI Exome Sequencing Project (ESP), and 1000 Genomes Project. In the ESP, this variant was not observed in 6502 samples (13004 alleles) with coverage at this position. To date, this alteration has been detected with an allele frequency of approximately 0.001% (greater than 175000 alleles tested) in our clinical cohort. This amino acid position is highly conserved in available vertebrate species. In addition, this alteration is predicted to be deleterious by in silico analysis. Since supporting evidence is limited at this time, the clinical significance of this alteration remains unclear.

NM_032043.3(BRIP1):c.485G>C (p.Arg162Pro)

Gene: BRIP1 (BRCA1 interacting DNA helicase 1; minus strand). Cytogenetic location: 17q23.2.
Variant type: single nucleotide variant.
Coding change: c.485G>C on transcript NM_032043.3 (MANE Select); coding-DNA position 485, G replaced by C.
Protein change: p.Arg162Pro; replaces arginine 162 with proline.
Molecular consequence: missense variant.
Genome position (GRCh38, 1-based): chr17:61,849,151, C>G on the plus strand (G>C on the coding strand, the complement: BRIP1 is on the minus strand). VCF-style: chr17-61849151-C-G. GRCh37 (hg19) VCF-style: chr17-59926512-C-G.
Other names: short protein forms R162P.
Identifiers: ClinVar variation 481645 (VCV000481645.10), dbSNP rs61757643, ClinGen allele CA400484388.